The following is an entry in ClinVar:

ClinVar aggregate classification (germline): Likely benign (0 of 4 stars; one submission).

Conditions:
TTC12-related disorder. Also called: TTC12-related condition.

Allele frequency attached by ClinVar (database versions not stated): gnomAD exomes below 0.00001.
gnomAD v4.1: 5 of 1,593,262 alleles (0.00031%); highest among the groups gnomAD compares: Non-Finnish European, 0.00017%; no homozygotes.

Submission:

PreventionGenetics, part of Exact Sciences
Classification: Likely benign for TTC12-related condition. Last evaluated: 2024-02-26. Review status: no assertion criteria provided. Collection method: clinical testing. Allele origin: germline.
Comment: This variant is classified as likely benign based on ACMG/AMP sequence variant interpretation guidelines (Richards et al. 2015 PMID: 25741868, with internal and published modifications).

NM_017868.4(TTC12):c.59-4C>G

Gene: TTC12 (tetratricopeptide repeat domain 12; plus strand). Cytogenetic location: 11q23.2.
Variant type: single nucleotide variant.
Coding change: c.59-4C>G on transcript NM_017868.4 (MANE Select); 4 bases into the intron before coding-DNA position 59, C replaced by G.
Molecular consequence: intron variant.
Genome position (GRCh38, 1-based): chr11:113,323,284, C>G. VCF-style: chr11-113323284-C-G. GRCh37 (hg19) VCF-style: chr11-113194006-C-G.
Other names: c.59-4C>G (NM_001378064.1, NM_001378065.1, NM_001318533.2); c.-17-4C>G (NM_001378063.1, NM_001352037.2).
Identifiers: ClinVar variation 3029154 (VCV003029154.2), dbSNP rs1947462280, ClinGen allele CA2001126817.